The following is an entry in ClinVar:

ClinVar aggregate classification (germline): Conflicting classifications of pathogenicity. Review status: criteria provided, conflicting classifications (1 of 4 stars). 4 submissions from 4 submitters: Uncertain significance (1); Likely benign (3). Last evaluated 2024-12-17.

Conditions:
Malignant tumor of urinary bladder. Also called: Urinary Bladder Neoplasms; Bladder cancer; Urinary bladder cancer. Identifiers: MedGen C0005684, MONDO:0001187, OMIM 109800.
Retinoblastoma (RB1). Also called: RETINOBLASTOMA, SOMATIC. Identifiers: Orphanet 790, MedGen C0035335, MeSH D012175, MONDO:0008380, OMIM 180200, HP:0009919. Disease mechanism: loss of function. Inheritance: Both sporadic and heritable forms are tested..
Hereditary cancer-predisposing syndrome. Also called: Neoplastic Syndromes, Hereditary; Hereditary neoplastic syndrome; Tumor predisposition; Hereditary Cancer Syndrome. Identifiers: Orphanet 140162, MedGen C0027672, MeSH D009386, MONDO:0015356.

Allele frequency attached by ClinVar (database versions not stated): TOPMed below 0.00001; ExAC 0.00002.
gnomAD v4.1: 4 of 1,612,960 alleles (0.00025%); highest among the groups gnomAD compares: East Asian, 0.0045%; no homozygotes.

Submissions (4):

Ambry Genetics
Classification: Likely benign for Hereditary cancer-predisposing syndrome. Last evaluated: 2024-12-17. Review status: criteria provided, single submitter. Criteria: Ambry Variant Classification Scheme 2023. Collection method: clinical testing. Allele origin: germline.

All of Us Research Program, National Institutes of Health
Classification: Likely benign for Retinoblastoma. Last evaluated: 2024-07-20. Review status: criteria provided, single submitter. Criteria: ACMG Guidelines, 2015. Collection method: clinical testing. Allele origin: germline. Inheritance: Autosomal dominant inheritance. Observed: 1 variant allele, 1 heterozygote.
Comment: This study involves interpretation of variants in research participants for the purpose of population health screening. Participant phenotype was not available at the time of variant classification. Additional details can be found in publication PMID: 35346344, PMCID: PMC8962531

Color Diagnostics, LLC DBA Color Health
Classification: Likely benign for Retinoblastoma. Last evaluated: 2024-07-10. Review status: criteria provided, single submitter. Criteria: ACMG Guidelines, 2015. Collection method: clinical testing. Allele origin: germline.

Baylor Genetics
Classification: Uncertain significance for Malignant tumor of urinary bladder. Last evaluated: 2023-09-24. Review status: criteria provided, single submitter. Criteria: ACMG Guidelines, 2015. Collection method: clinical testing. Allele origin: unknown.

NM_000321.3(RB1):c.218G>C (p.Arg73Thr)

Gene: RB1 (RB transcriptional corepressor 1; plus strand). Cytogenetic location: 13q14.2.
Variant type: single nucleotide variant.
Coding change: c.218G>C on transcript NM_000321.3 (MANE Select); coding-DNA position 218, G replaced by C.
Protein change: p.Arg73Thr; replaces arginine 73 with threonine.
Molecular consequence: missense variant.
Genome position (GRCh38, 1-based): chr13:48,307,360, G>C. VCF-style: chr13-48307360-G-C. GRCh37 (hg19) VCF-style: chr13-48881496-G-C.
Other names: c.218G>C, p.Arg73Thr (NM_001407165.1, NM_001407166.1, NM_001407167.1); short protein forms R73T.
Identifiers: ClinVar variation 2678283 (VCV002678283.4), dbSNP rs758881668, ClinGen allele CA034382.